The following is an entry in ClinVar:

NM_000037.4(ANK1):c.5363A>C (p.Glu1788Ala)

Gene: ANK1 (ankyrin 1; minus strand). Cytogenetic location: 8p11.21.
Variant type: single nucleotide variant.
Coding change: c.5363A>C on transcript NM_000037.4 (MANE Select); coding-DNA position 5363, A replaced by C.
Protein change: p.Glu1788Ala; replaces glutamic acid 1788 with alanine.
Molecular consequence: missense variant.
Genome position (GRCh38, 1-based): chr8:41,668,298, T>G on the plus strand (A>C on the coding strand, the complement: ANK1 is on the minus strand). VCF-style: chr8-41668298-T-G. GRCh37 (hg19) VCF-style: chr8-41525816-T-G.
Other names: c.5486A>C, p.Glu1829Ala (NM_001142446.2); c.5363A>C, p.Glu1788Ala (NM_020475.3, NM_020476.3); c.4877A>C, p.Glu1626Ala (NM_020477.3); short protein forms E1788A, E1626A, E1829A.
Identifiers: ClinVar variation 2966559 (VCV002966559.3), dbSNP rs1811195476, ClinGen allele CA371050989.
Genomic context (GRCh38, chr8:41,668,298, plus strand): 5'-GCAGCACGCAGCTCCCCTCGGGCTCTCACCTGCACCACTTGGGTGAAGGTGTTCTTGGCC[T>G]CCTGCACCTGCTCTTCTTGGCCTTGCTGCCTCCGGTCCCTGTCGGCCTGGGAGCTCTCAG-3'
Protein context (NP_000028.3, residues 1778-1798): RQQGQEEQVQ[Glu1788Ala]AKNTFTQVVQ

ClinVar aggregate classification (germline): Uncertain significance (1 of 4 stars; one submission).

Allele frequency attached by ClinVar (database versions not stated): TOPMed below 0.00001.

Submission:

Labcorp Genetics (formerly Invitae), Labcorp
Classification: Uncertain significance. Last evaluated: 2025-06-02. Review status: criteria provided, single submitter. Criteria: Invitae Variant Classification Sherloc (09022015). Collection method: clinical testing. Allele origin: germline.
Comment: This sequence change replaces glutamic acid, which is acidic and polar, with alanine, which is neutral and non-polar, at codon 1788 of the ANK1 protein (p.Glu1788Ala). This variant is not present in population databases (gnomAD no frequency). This variant has not been reported in the literature in individuals affected with ANK1-related conditions. ClinVar contains an entry for this variant (Variation ID: 2966559). An algorithm developed to predict the effect of missense changes on protein structure and function outputs the following: PolyPhen-2: "Benign". The alanine amino acid residue is found in multiple mammalian species, which suggests that this missense change does not adversely affect protein function. In summary, the available evidence is currently insufficient to determine the role of this variant in disease. Therefore, it has been classified as a Variant of Uncertain Significance.